The following is an entry in ClinVar:

NM_001048174.2(MUTYH):c.939G>T (p.Leu313=)

Gene: MUTYH (mutY DNA glycosylase; minus strand). Cytogenetic location: 1p34.1.
Variant type: single nucleotide variant.
Coding change: c.939G>T on transcript NM_001048174.2 (MANE Select); coding-DNA position 939, G replaced by T.
Protein change: p.Leu313=; no amino-acid change (leucine 313 retained).
Molecular consequence: synonymous variant. On other transcripts: non-coding transcript variant (2).
Genome position (GRCh38, 1-based): chr1:45,331,824, C>A on the plus strand (G>T on the coding strand, the complement: MUTYH is on the minus strand). VCF-style: chr1-45331824-C-A. GRCh37 (hg19) VCF-style: chr1-45797496-C-A.
Other names: c.939G>T, p.Leu313= (NM_001048171.2, NM_001048173.2, NM_001293195.2); c.942G>T, p.Leu314= (NM_001048172.2); c.1023G>T, p.Leu341= (NM_001128425.2); c.984G>T, p.Leu328= (NM_001293190.2); c.972G>T, p.Leu324= (NM_001293191.2); c.663G>T, p.Leu221= (NM_001293192.2, NM_001293196.2); c.594G>T, p.Leu198= (NM_001350650.2, NM_001350651.2); c.1014G>T, p.Leu338= (NM_012222.3).
Identifiers: ClinVar variation 479992 (VCV000479992.16), dbSNP rs1553126969, ClinGen allele CA417879800.
Genomic context (GRCh38, chr1:45,331,824, plus strand): 5'-CTTTCTGGGGAAGTTGACCACTCCCAGGGTCTGGTCCCAGGGCTCCGAGGGAGGCAGGCA[C>A]AGGTGGCACTGTCCAGTGTTGGGAGCTGGGAACGGAGATCCCCGAACCCTACTCAAGCCA-3'
Protein context (NP_001041639.1, residues 303-323): ECAPNTGQCH[Leu313=]CLPPSEPWDQ

ClinVar aggregate classification (germline): Likely benign. Review status: criteria provided, multiple submitters, no conflicts (2 of 4 stars). 4 submissions from 4 submitters: Likely benign (4). Last evaluated 2023-11-20.

Conditions:
Hereditary cancer-predisposing syndrome. Also called: Hereditary neoplastic syndrome; Hereditary Cancer Syndrome; Neoplastic Syndromes, Hereditary; Tumor predisposition. Identifiers: Orphanet 140162, MedGen C0027672, MeSH D009386, MONDO:0015356.
Familial adenomatous polyposis 2. Also called: MYH-associated polyposis; COLORECTAL ADENOMATOUS POLYPOSIS, AUTOSOMAL RECESSIVE; ADENOMAS, MULTIPLE COLORECTAL, AUTOSOMAL RECESSIVE; MUTYH-related attenuated familial adenomatous polyposis; Adenomas, multiple colorectal; FAP type 2. Identifiers: Orphanet 220460, Orphanet 247798, MedGen C3272841, MONDO:0012041, OMIM 608456.

Submissions (4):

All of Us Research Program, National Institutes of Health
Classification: Likely benign for Familial adenomatous polyposis 2. Last evaluated: 2023-11-20. Review status: criteria provided, single submitter. Criteria: ACMG Guidelines, 2015. Collection method: clinical testing. Allele origin: germline. Inheritance: Autosomal recessive inheritance. Observed: 1 variant allele, 1 heterozygote.
Comment: This study involves interpretation of variants in research participants for the purpose of population health screening. Participant phenotype was not available at the time of variant classification. Additional details can be found in publication PMID: 35346344, PMCID: PMC8962531

Labcorp Genetics (formerly Invitae), Labcorp
Classification: Likely benign for Familial adenomatous polyposis 2. Last evaluated: 2023-11-01. Review status: criteria provided, single submitter. Criteria: Invitae Variant Classification Sherloc (09022015). Collection method: clinical testing. Allele origin: germline.

Color Diagnostics, LLC DBA Color Health
Classification: Likely benign for Hereditary cancer-predisposing syndrome. Last evaluated: 2018-12-14. Review status: criteria provided, single submitter. Criteria: ACMG Guidelines, 2015. Collection method: clinical testing. Allele origin: germline.

Ambry Genetics
Classification: Likely benign for Hereditary cancer-predisposing syndrome. Last evaluated: 2016-03-21. Review status: criteria provided, single submitter. Criteria: Ambry Variant Classification Scheme 2023. Collection method: clinical testing. Allele origin: germline.